The following is an entry in ClinVar:

ClinVar aggregate classification (germline): Uncertain significance (1 of 4 stars; one submission).

Submission:

Labcorp Genetics (formerly Invitae), Labcorp
Classification: Uncertain significance. Last evaluated: 2022-08-10. Review status: criteria provided, single submitter. Criteria: Invitae Variant Classification Sherloc (09022015). Collection method: clinical testing. Allele origin: germline.
Comment: In summary, the available evidence is currently insufficient to determine the role of this variant in disease. Therefore, it has been classified as a Variant of Uncertain Significance. Algorithms developed to predict the effect of missense changes on protein structure and function are either unavailable or do not agree on the potential impact of this missense change (SIFT: "Tolerated"; PolyPhen-2: "Probably Damaging"; Align-GVGD: "Class C0"). ClinVar contains an entry for this variant (Variation ID: 1486817). This variant has not been reported in the literature in individuals affected with ASPM-related conditions. This variant is not present in population databases (gnomAD no frequency). This sequence change replaces methionine, which is neutral and non-polar, with threonine, which is neutral and polar, at codon 2407 of the ASPM protein (p.Met2407Thr).

NM_018136.5(ASPM):c.7220T>C (p.Met2407Thr)

Gene: ASPM (assembly factor for spindle microtubules; minus strand). Cytogenetic location: 1q31.3.
Variant type: single nucleotide variant.
Coding change: c.7220T>C on transcript NM_018136.5 (MANE Select); coding-DNA position 7220, T replaced by C.
Protein change: p.Met2407Thr; replaces methionine 2407 with threonine.
Molecular consequence: missense variant. On other transcripts: intron variant (1).
Genome position (GRCh38, 1-based): chr1:197,102,031, A>G on the plus strand (T>C on the coding strand, the complement: ASPM is on the minus strand). VCF-style: chr1-197102031-A-G. GRCh37 (hg19) VCF-style: chr1-197071161-A-G.
Other names: c.4066-5867T>C (NM_001206846.2); short protein forms M2407T.
Identifiers: ClinVar variation 1486817 (VCV001486817.6), dbSNP rs747674396, ClinGen allele CA35870874.